The following is an entry in ClinVar:

ClinVar aggregate classification (germline): Uncertain significance. Review status: criteria provided, multiple submitters, no conflicts (2 of 4 stars). 3 submissions from 2 submitters: Uncertain significance (3). Last evaluated 2021-08-31.

Conditions:
Lethal Kniest-like syndrome (DDSH). Also called: Dyssegmental Dysplasia. Identifiers: Orphanet 1865, MedGen C1857100, MONDO:0009140, OMIM 224410.
Schwartz-Jampel syndrome. Also called: Myotonic myopathy dwarfism chondrodystrophy and ocular and facial abnormalities. Identifiers: Orphanet 800, MedGen C0036391, MONDO:0009717.

Allele frequency attached by ClinVar (database versions not stated): TOPMed 0.00004; ExAC 0.00007; 1000 Genomes Project 0.00020; 1000 Genomes Project 30x 0.00031.
gnomAD v4.1: 22 of 1,614,154 alleles (0.0014%); highest among the groups gnomAD compares: Admixed American, 0.028%; no homozygotes.

Submissions (3):

Labcorp Genetics (formerly Invitae), Labcorp
Classification: Uncertain significance. Last evaluated: 2021-08-31. Review status: criteria provided, single submitter. Criteria: Invitae Variant Classification Sherloc (09022015). Collection method: clinical testing. Allele origin: germline.
Comment: This sequence change replaces arginine with tryptophan at codon 751 of the HSPG2 protein (p.Arg751Trp). The arginine residue is moderately conserved and there is a moderate physicochemical difference between arginine and tryptophan. This variant is present in population databases (rs192500073, ExAC 0.07%). This variant has not been reported in the literature in individuals affected with HSPG2-related conditions. ClinVar contains an entry for this variant (Variation ID: 875765). Algorithms developed to predict the effect of missense changes on protein structure and function are either unavailable or do not agree on the potential impact of this missense change (SIFT: "Deleterious"; PolyPhen-2: "Probably Damaging"; Align-GVGD: "Class C0"). In summary, the available evidence is currently insufficient to determine the role of this variant in disease. Therefore, it has been classified as a Variant of Uncertain Significance.

Illumina Laboratory Services, Illumina
Classification: Uncertain significance for Schwartz-Jampel syndrome type 1. Last evaluated: 2018-01-12. Review status: criteria provided, single submitter. Criteria: ICSL Variant Classification Criteria 13 December 2019. Collection method: clinical testing. Allele origin: germline.

Illumina Laboratory Services, Illumina
Classification: Uncertain significance for Lethal Kniest-like syndrome. Last evaluated: 2018-01-12. Review status: criteria provided, single submitter. Criteria: ICSL Variant Classification Criteria 13 December 2019. Collection method: clinical testing. Allele origin: germline.

NM_005529.7(HSPG2):c.2251C>T (p.Arg751Trp)

Gene: HSPG2 (heparan sulfate proteoglycan 2; minus strand). Cytogenetic location: 1p36.12.
Variant type: single nucleotide variant.
Coding change: c.2251C>T on transcript NM_005529.7 (MANE Select); coding-DNA position 2251, C replaced by T.
Protein change: p.Arg751Trp; replaces arginine 751 with tryptophan.
Molecular consequence: missense variant.
Genome position (GRCh38, 1-based): chr1:21,880,199, G>A on the plus strand (C>T on the coding strand, the complement: HSPG2 is on the minus strand). VCF-style: chr1-21880199-G-A. GRCh37 (hg19) VCF-style: chr1-22206692-G-A.
Other names: c.2254C>T, p.Arg752Trp (NM_001291860.2); short protein forms R751W, R752W.
Identifiers: ClinVar variation 875765 (VCV000875765.8), dbSNP rs192500073, ClinGen allele CA673130.